The following is an entry in ClinVar:

NM_001008537.3(NEXMIF):c.971_980dup (p.Leu328fs)

Gene: NEXMIF (neurite extension and migration factor; minus strand). Cytogenetic location: Xq13.3.
Variant type: Duplication.
Coding change: c.971_980dup on transcript NM_001008537.3 (MANE Select); coding-DNA positions 971 to 980, 10 bases duplicated (AGACTACTCT; older notation c.971_980dupAGACTACTCT).
Protein change: p.Leu328fs; shifts the reading frame from leucine 328.
Molecular consequence: frameshift variant.
Genome position (GRCh38, 1-based): chrX:74,743,577-74,743,586, AGAGTAGTCT duplicated on the plus strand (AGACTACTCT on the coding strand, the reverse complement: NEXMIF is on the minus strand). VCF-style (leftmost placement, unchanged base first): chrX-74743576-A-AAGAGTAGTCT. GRCh37 (hg19) VCF-style: chrX-73963411-A-AAGAGTAGTCT.
Other names: short protein forms L328fs.
Identifiers: ClinVar variation 2828883 (VCV002828883.3), dbSNP rs2519915982, ClinGen allele CA2739273595.

ClinVar aggregate classification (germline): Pathogenic (1 of 4 stars; one submission).

Submission:

Labcorp Genetics (formerly Invitae), Labcorp
Classification: Pathogenic. Last evaluated: 2023-01-15. Review status: criteria provided, single submitter. Criteria: Invitae Variant Classification Sherloc (09022015). Collection method: clinical testing. Allele origin: germline.
Comment: For these reasons, this variant has been classified as Pathogenic. This variant has not been reported in the literature in individuals affected with NEXMIF-related conditions. This variant is not present in population databases (gnomAD no frequency). This sequence change creates a premature translational stop signal (p.Leu328Aspfs*27) in the NEXMIF gene. It is expected to result in an absent or disrupted protein product. Loss-of-function variants in NEXMIF are known to be pathogenic (PMID: 23615299).

Literature cited by the submitters: PubMed 23615299.